The following is an entry in ClinVar:

ClinVar aggregate classification (germline): Uncertain significance (1 of 4 stars; one submission).

Submission:

GeneDx
Classification: Uncertain significance. Last evaluated: 2023-01-09. Review status: criteria provided, single submitter. Criteria: GeneDx Variant Classification Process June 2021. Collection method: clinical testing. Allele origin: germline. Affected: yes.
Comment: Not observed at significant frequency in large population cohorts (gnomAD); In silico analysis supports that this missense variant does not alter protein structure/function; Has not been previously published as pathogenic or benign to our knowledge

NM_014846.4(WASHC5):c.1290A>T (p.Gln430His)

Gene: WASHC5 (WASH complex subunit 5; minus strand). Cytogenetic location: 8q24.13.
Variant type: single nucleotide variant.
Coding change: c.1290A>T on transcript NM_014846.4 (MANE Select); coding-DNA position 1290, A replaced by T.
Protein change: p.Gln430His; replaces glutamine 430 with histidine.
Molecular consequence: missense variant.
Genome position (GRCh38, 1-based): chr8:125,063,640, T>A on the plus strand (A>T on the coding strand, the complement: WASHC5 is on the minus strand). VCF-style: chr8-125063640-T-A. GRCh37 (hg19) VCF-style: chr8-126075882-T-A.
Other names: c.846A>T, p.Gln282His (NM_001330609.2); short protein forms Q282H, Q430H.
Identifiers: ClinVar variation 2571918 (VCV002571918.1), dbSNP rs2537350586, ClinGen allele CA372193294.